The following is an entry in ClinVar:

ClinVar aggregate classification (germline): Benign/Likely benign. Review status: criteria provided, multiple submitters, no conflicts (2 of 4 stars). 5 submissions from 5 submitters: Benign (1); Likely benign (4). Last evaluated 2025-12-13.

Conditions:
Inborn genetic diseases. Identifiers: MedGen C0950123, MeSH D030342.
Neuronal ceroid lipofuscinosis. Also called: Neuronal Ceroid Lipofuscinoses. Identifiers: Orphanet 216, Orphanet 79263, MedGen C0027877, MONDO:0016295. Disease mechanism: loss of function.
Neuronal ceroid lipofuscinosis 10 (CLN10). Also called: CTSD-Related Neuronal Ceroid-Lipofuscinosis; NEURONAL CEROID LIPOFUSCINOSIS DUE TO CATHEPSIN D DEFICIENCY. Identifiers: Orphanet 228337, MedGen C1864669, MONDO:0012414, OMIM 610127.

Allele frequency attached by ClinVar (database versions not stated): gnomAD exomes 0.00003 and 0.00004; ExAC 0.00005; ESP Exome Variant Server 0.00008; gnomAD 0.00008; TOPMed 0.00012; 1000 Genomes Project 30x 0.00016; 1000 Genomes Project 0.00020.
gnomAD v4.1: 62 of 1,614,178 alleles (0.0038%); highest among the groups gnomAD compares: African/African-American, 0.036%; no homozygotes.

Submissions (5):

Labcorp Genetics (formerly Invitae), Labcorp
Classification: Likely benign for Neuronal ceroid lipofuscinosis. Last evaluated: 2025-12-13. Review status: criteria provided, single submitter. Criteria: Invitae Variant Classification Sherloc (09022015). Collection method: clinical testing. Allele origin: germline.

Blueprint Genetics
Classification: Likely benign. Last evaluated: 2024-09-13. Review status: criteria provided, single submitter. Criteria: ACMG Guidelines, 2015. Collection method: clinical testing. Allele origin: germline.

Fulgent Genetics
Classification: Likely benign for Neuronal ceroid lipofuscinosis 10. Last evaluated: 2021-10-14. Review status: criteria provided, single submitter. Criteria: ACMG Guidelines, 2015. Collection method: clinical testing. Allele origin: unknown.

Ambry Genetics
Classification: Likely benign for Inborn genetic diseases. Last evaluated: 2017-10-09. Review status: criteria provided, single submitter. Criteria: Ambry Variant Classification Scheme 2023. Collection method: clinical testing. Allele origin: germline.

GeneDx
Classification: Benign. Last evaluated: 2014-10-23. Review status: criteria provided, single submitter. Criteria: GeneDx Variant Classification (06012015). Collection method: clinical testing. Allele origin: germline. Affected: yes.
Comment: This variant is considered likely benign or benign based on one or more of the following criteria: it is a conservative change, it occurs at a poorly conserved position in the protein, it is predicted to be benign by multiple in silico algorithms, and/or has population frequency not consistent with disease.

NM_001909.5(CTSD):c.630C>T (p.Asn210=)

Gene: CTSD (cathepsin D; minus strand). Cytogenetic location: 11p15.5.
Variant type: single nucleotide variant.
Coding change: c.630C>T on transcript NM_001909.5 (MANE Select); coding-DNA position 630, C replaced by T.
Protein change: p.Asn210=; no amino-acid change (asparagine 210 retained).
Molecular consequence: synonymous variant.
Genome position (GRCh38, 1-based): chr11:1,757,398, G>A on the plus strand (C>T on the coding strand, the complement: CTSD is on the minus strand). VCF-style: chr11-1757398-G-A. GRCh37 (hg19) VCF-style: chr11-1778628-G-A.
Other names: p.N210N:AAC>AAT.
Identifiers: ClinVar variation 205339 (VCV000205339.16), dbSNP rs375282504, ClinGen allele CA314320.